The following is an entry in ClinVar:

ClinVar aggregate classification (germline): Uncertain significance (1 of 4 stars; one submission).

Conditions:
Holoprosencephaly 11 (HPE11). Identifiers: Orphanet 2162, MedGen C3280215, MONDO:0013642, OMIM 614226.

gnomAD v4.1: 1 of 1,614,030 alleles (0.000062%); highest among the groups gnomAD compares: African/African-American, 0.0013%; no homozygotes.

Submission:

Labcorp Genetics (formerly Invitae), Labcorp
Classification: Uncertain significance for Holoprosencephaly 11. Last evaluated: 2025-06-05. Review status: criteria provided, single submitter. Criteria: Invitae Variant Classification Sherloc (09022015). Collection method: clinical testing. Allele origin: germline.
Comment: This sequence change replaces glutamic acid, which is acidic and polar, with valine, which is neutral and non-polar, at codon 803 of the CDON protein (p.Glu803Val). This variant is not present in population databases (gnomAD no frequency). This variant has not been reported in the literature in individuals affected with CDON-related conditions. Invitae Evidence Modeling of protein sequence and biophysical properties (such as structural, functional, and spatial information, amino acid conservation, physicochemical variation, residue mobility, and thermodynamic stability) indicates that this missense variant is not expected to disrupt CDON protein function with a negative predictive value of 80%. In summary, the available evidence is currently insufficient to determine the role of this variant in disease. Therefore, it has been classified as a Variant of Uncertain Significance.

NM_001378964.1(CDON):c.2408A>T (p.Glu803Val)

Gene: CDON (cell adhesion associated, oncogene regulated; minus strand). Cytogenetic location: 11q24.2.
Variant type: single nucleotide variant.
Coding change: c.2408A>T on transcript NM_001378964.1 (MANE Select); coding-DNA position 2408, A replaced by T.
Protein change: p.Glu803Val; replaces glutamic acid 803 with valine.
Molecular consequence: missense variant.
Genome position (GRCh38, 1-based): chr11:125,995,007, T>A on the plus strand (A>T on the coding strand, the complement: CDON is on the minus strand). VCF-style: chr11-125995007-T-A. GRCh37 (hg19) VCF-style: chr11-125864902-T-A.
Other names: c.2408A>T, p.Glu803Val (NM_001243597.3, NM_001441161.1, NM_001441162.1 and 5 more transcripts); short protein forms E803V.
Identifiers: ClinVar variation 4702887 (VCV004702887.1).